The following is an entry in ClinVar:

ClinVar aggregate classification (germline): Uncertain significance (1 of 4 stars; one submission).

Submission:

Women's Health and Genetics/Laboratory Corporation of America, LabCorp
Classification: Uncertain significance. Last evaluated: 2026-05-29. Review status: criteria provided, single submitter. Criteria: LabCorp Variant Classification Summary - May 2015. Collection method: clinical testing. Allele origin: germline.
Comment: Variant summary: MPLKIP c.-1T>C is located in the untranslated mRNA region upstream of the initiation codon. The variant allele was found at a frequency of 4.4e-06 in 1586734 control chromosomes (gnomAD). The available data on variant occurrences in the general population are insufficient to allow any conclusion about variant significance. To our knowledge, no occurrence of c.-1T>C in individuals affected with MPLKIP-related conditions and no experimental evidence demonstrating its impact on protein function have been reported. No submitters have cited clinical-significance assessments for this variant to ClinVar. Based on the evidence outlined above, the variant was classified as uncertain significance.

NM_138701.4(MPLKIP):c.-1T>C

Gene: MPLKIP (M-phase specific PLK1 interacting protein; minus strand). Cytogenetic location: 7p14.1.
Variant type: single nucleotide variant.
Coding change: c.-1T>C on transcript NM_138701.4 (MANE Select); 1 bases upstream of the start codon, T replaced by C.
Molecular consequence: 5 prime UTR variant.
Genome position (GRCh38, 1-based): chr7:40,134,568, A>G on the plus strand (T>C on the coding strand, the complement: MPLKIP is on the minus strand). VCF-style: chr7-40134568-A-G. GRCh37 (hg19) VCF-style: chr7-40174167-A-G.
Identifiers: ClinVar variation 4853033 (VCV004853033.1).